The following is an entry in ClinVar:

NM_198578.4(LRRK2):c.1273C>G (p.Leu425Val)

Gene: LRRK2 (leucine rich repeat kinase 2; plus strand). Cytogenetic location: 12q12.
Variant type: single nucleotide variant.
Coding change: c.1273C>G on transcript NM_198578.4 (MANE Select); coding-DNA position 1273, C replaced by G.
Protein change: p.Leu425Val; replaces leucine 425 with valine.
Molecular consequence: missense variant.
Genome position (GRCh38, 1-based): chr12:40,253,001, C>G. VCF-style: chr12-40253001-C-G. GRCh37 (hg19) VCF-style: chr12-40646803-C-G.
Other names: short protein forms L425V.
Identifiers: ClinVar variation 1765983 (VCV001765983.2), dbSNP rs2499515338, ClinGen allele CA384409622.
Genomic context (GRCh38, chr12:40,253,001, plus strand): 5'-ATGCTGATGCATTCTTCATCAAAGGAAGTTTTCCAGGCATCTGCGAATGCATTGTCAACT[C>G]TCTTAGAACAAAATGGTAAGCAGTGGGCCATGTTTTCAAATAAAGGGAAACACATTTTTG-3'
Protein context (NP_940980.4, residues 415-435): FQASANALST[Leu425Val]LEQNVNFRKI

ClinVar aggregate classification (germline): Uncertain significance (1 of 4 stars; one submission).

Conditions:
Inborn genetic diseases. Identifiers: MedGen C0950123, MeSH D030342.

Submission:

Ambry Genetics
Classification: Uncertain significance for Inborn genetic diseases. Last evaluated: 2022-08-22. Review status: criteria provided, single submitter. Criteria: Ambry Variant Classification Scheme 2023. Collection method: clinical testing. Allele origin: germline.
Comment: The p.L425V variant (also known as c.1273C>G), located in coding exon 11 of the LRRK2 gene, results from a C to G substitution at nucleotide position 1273. The leucine at codon 425 is replaced by valine, an amino acid with highly similar properties. This amino acid position is conserved. In addition, the in silico prediction for this alteration is inconclusive. Since supporting evidence is limited at this time, the clinical significance of this alteration remains unclear.